The following is an entry in ClinVar:

NM_017739.4(POMGNT1):c.354+3C>T

Gene: POMGNT1 (protein O-linked mannose N-acetylglucosaminyltransferase 1 (beta 1,2-); minus strand). Cytogenetic location: 1p34.1.
Variant type: single nucleotide variant.
Coding change: c.354+3C>T on transcript NM_017739.4 (MANE Select); 3 bases into the intron after coding-DNA position 354, C replaced by T.
Molecular consequence: intron variant.
Genome position (GRCh38, 1-based): chr1:46,196,728, G>A on the plus strand (C>T on the coding strand, the complement: POMGNT1 is on the minus strand). VCF-style: chr1-46196728-G-A. GRCh37 (hg19) VCF-style: chr1-46662400-G-A.
Other names: c.354+3C>T (NM_001243766.2, NM_001438686.1, NM_001438688.1 and 3 more transcripts); c.288+3C>T (NM_001290129.3, NM_001438691.1, NM_001438692.1); c.-76+3C>T (NM_001290130.2).
Identifiers: ClinVar variation 597426 (VCV000597426.9), dbSNP rs372425155, ClinGen allele CA833777.
Genomic context (GRCh38, chr1:46,196,728, plus strand): 5'-CTGCCAGTGGACCATGCCCTGAGCAGAATAGAGTGACTGTACACCAGACCCTGGCCCACT[G>A]ACCGTGGTGCCATCCACTGCCACATATACTTTGCTGCGACTTGAATACACCTCTACGTCC-3'

ClinVar aggregate classification (germline): Uncertain significance. Review status: criteria provided, multiple submitters, no conflicts (2 of 4 stars). 4 submissions from 4 submitters: Uncertain significance (3). 1 of the submissions does not count toward it. Last evaluated 2024-01-22.

Conditions:
Inborn genetic diseases. Identifiers: MedGen C0950123, MeSH D030342.
Muscle eye brain disease (MEB). Also called: Santavuori congenital muscular dystrophy. Identifiers: Orphanet 588, Orphanet 899, MedGen C0457133, MONDO:0018939.
Autosomal recessive limb-girdle muscular dystrophy type 2O. Also called: Limb-Girdle Muscular Dystrophy Type 3C; MUSCULAR DYSTROPHY-DYSTROGLYCANOPATHY, LIMB-GIRDLE, POMGNT1-RELATED; MUSCULAR DYSTROPHY-DYSTROGLYCANOPATHY (LIMB-GIRDLE), TYPE C, 3. Identifiers: Orphanet 206564, MedGen C3150417, MONDO:0013161, OMIM 613157.
Muscular dystrophy-dystroglycanopathy (congenital with impaired intellectual development), type B, 3. Also called: Muscular dystrophy-dystroglycanopathy (congenital with intellectual disability), type B3; MUSCULAR DYSTROPHY, CONGENITAL, POMGNT1-RELATED. Identifiers: MedGen C3150412, MONDO:0013155, OMIM 613151.

Allele frequency attached by ClinVar (database versions not stated): TOPMed 0.00003; gnomAD 0.00004; gnomAD exomes 0.00005 and 0.00004; 1000 Genomes Project 0.00020; ExAC 0.00005; ESP Exome Variant Server 0.00008; 1000 Genomes Project 30x 0.00016.
gnomAD v4.1: 61 of 1,614,094 alleles (0.0038%); highest among the groups gnomAD compares: Middle Eastern, 0.049%; no homozygotes.

Submissions (4):

Labcorp Genetics (formerly Invitae), Labcorp
Classification: Uncertain significance for Autosomal recessive limb-girdle muscular dystrophy type 2O; Muscular dystrophy-dystroglycanopathy (congenital with impaired intellectual development), type B, 3. Last evaluated: 2024-01-22. Review status: criteria provided, single submitter. Criteria: Invitae Variant Classification Sherloc (09022015). Collection method: clinical testing. Allele origin: germline.
Comment: This sequence change falls in intron 4 of the POMGNT1 gene. It does not directly change the encoded amino acid sequence of the POMGNT1 protein. It affects a nucleotide within the consensus splice site. This variant is present in population databases (rs372425155, gnomAD 0.06%). This variant has not been reported in the literature in individuals affected with POMGNT1-related conditions. ClinVar contains an entry for this variant (Variation ID: 597426). Variants that disrupt the consensus splice site are a relatively common cause of aberrant splicing (PMID: 17576681, 9536098). Algorithms developed to predict the effect of sequence changes on RNA splicing suggest that this variant is not likely to affect RNA splicing. In summary, the available evidence is currently insufficient to determine the role of this variant in disease. Therefore, it has been classified as a Variant of Uncertain Significance.

Ambry Genetics
Classification: Uncertain significance for Inborn genetic diseases. Last evaluated: 2022-05-13. Review status: criteria provided, single submitter. Criteria: Ambry Variant Classification Scheme 2023. Collection method: clinical testing. Allele origin: germline.
Comment: The c.354+3C>T intronic alteration consists of a C to T substitution nucleotides after coding exon 3 in the POMGNT1 gene. Based on insufficient or conflicting evidence, the clinical significance of this alteration remains unclear.

Eurofins Ntd Llc (ga)
Classification: Uncertain significance. Last evaluated: 2018-06-07. Review status: criteria provided, single submitter. Criteria: EGL ClinVar v180209 classification definitions. Collection method: clinical testing. Allele origin: germline. Observed: 1 variant allele, 1 heterozygote.

Natera, Inc.
Classification: Uncertain significance for Muscle-eye-brain disease. Last evaluated: 2019-10-28. Review status: no assertion criteria provided. Collection method: clinical testing. Allele origin: germline. Not counted in ClinVar's aggregate classification.

Literature cited by the submitters: PubMed 17576681 (cited by Labcorp Genetics (formerly Invitae), Labcorp); PubMed 9536098 (cited by Labcorp Genetics (formerly Invitae), Labcorp).